The following is an entry in ClinVar:

ClinVar aggregate classification (germline): Likely benign. Review status: criteria provided, multiple submitters, no conflicts (2 of 4 stars). 2 submissions from 2 submitters: Likely benign (2). Last evaluated 2026-06-22.

Conditions:
Retinoblastoma (RB1). Also called: RETINOBLASTOMA, SOMATIC. Identifiers: Orphanet 790, MedGen C0035335, MeSH D012175, MONDO:0008380, OMIM 180200, HP:0009919. Disease mechanism: loss of function. Inheritance: Both sporadic and heritable forms are tested..

Allele frequency attached by ClinVar (database versions not stated): ExAC 0.00001; TOPMed below 0.00001; gnomAD exomes 0.00001; gnomAD 0.00001.
gnomAD v4.1: 6 of 1,542,538 alleles (0.00039%); highest among the groups gnomAD compares: Admixed American, 0.005%; no homozygotes.

Submissions (2):

Myriad Genetics, Inc.
Classification: Likely benign for Retinoblastoma. Last evaluated: 2026-06-22. Review status: criteria provided, single submitter. Criteria: Myriad Autosomal Dominant, Autosomal Recessive and X-Linked Classification Criteria (2023). Collection method: clinical testing. Allele origin: unknown.
Comment: This variant is considered likely benign. This variant is intronic and is not expected to impact mRNA splicing.

Labcorp Genetics (formerly Invitae), Labcorp
Classification: Likely benign for Retinoblastoma. Last evaluated: 2025-04-28. Review status: criteria provided, single submitter. Criteria: Invitae Variant Classification Sherloc (09022015). Collection method: clinical testing. Allele origin: germline.

NM_000321.3(RB1):c.2211+7A>G

Gene: RB1 (RB transcriptional corepressor 1; plus strand). Cytogenetic location: 13q14.2.
Variant type: single nucleotide variant.
Coding change: c.2211+7A>G on transcript NM_000321.3 (MANE Select); 7 bases into the intron after coding-DNA position 2211, A replaced by G.
Molecular consequence: intron variant.
Genome position (GRCh38, 1-based): chr13:48,463,842, A>G. VCF-style: chr13-48463842-A-G. GRCh37 (hg19) VCF-style: chr13-49037978-A-G.
Identifiers: ClinVar variation 1139450 (VCV001139450.10), dbSNP rs753912415, ClinGen allele CA034557.